The following is an entry in ClinVar:

NM_005670.4(EPM2A):c.118C>A (p.Leu40Met)

Genes: EPM2A (EPM2A glucan phosphatase, laforin; minus strand), EPM2A-DT (EPM2A divergent transcript; plus strand), LOC129997381 (ATAC-STARR-seq lymphoblastoid silent region 17642; plus strand). Cytogenetic location: 6q24.3.
Variant type: single nucleotide variant.
Coding change: c.118C>A on transcript NM_005670.4 (MANE Select); coding-DNA position 118, C replaced by A.
Protein change: p.Leu40Met; replaces leucine 40 with methionine.
Molecular consequence: missense variant. On other transcripts: 5 prime UTR variant (3), intron variant (1).
Genome position (GRCh38, 1-based): chr6:145,735,381, G>T on the plus strand (C>A on the coding strand, the complement: EPM2A is on the minus strand). VCF-style: chr6-145735381-G-T. GRCh37 (hg19) VCF-style: chr6-146056517-G-T.
Other names: c.118C>A, p.Leu40Met (NM_001018041.2, NM_001360057.2, NM_001368130.1); c.-552C>A (NM_001360071.2); c.-506C>A (NM_001368129.2); c.-250C>A (NM_001368131.1); c.-114+527C>A (NM_001360064.2); short protein forms L40M.
Identifiers: ClinVar variation 2011875 (VCV002011875.4), dbSNP rs1583156932, ClinGen allele CA366188323.

ClinVar aggregate classification (germline): Uncertain significance (1 of 4 stars; one submission).

Conditions:
Progressive myoclonic epilepsy. Also called: Familial progressive myoclonic epilepsy; Myoclonic Epilepsies, Progressive; Progressive myoclonus epilepsy; Myoclonus epilepsy. Identifiers: Orphanet 308, Orphanet 98261, MedGen C0751778, MONDO:0020074.

Submission:

Labcorp Genetics (formerly Invitae), Labcorp
Classification: Uncertain significance for Progressive myoclonic epilepsy. Last evaluated: 2022-06-28. Review status: criteria provided, single submitter. Criteria: Invitae Variant Classification Sherloc (09022015). Collection method: clinical testing. Allele origin: germline.
Comment: This sequence change replaces leucine, which is neutral and non-polar, with methionine, which is neutral and non-polar, at codon 40 of the EPM2A protein (p.Leu40Met). This variant is not present in population databases (gnomAD no frequency). This variant has not been reported in the literature in individuals affected with EPM2A-related conditions. Algorithms developed to predict the effect of missense changes on protein structure and function output the following: SIFT: "Tolerated"; PolyPhen-2: "Benign"; Align-GVGD: "Class C0". The methionine amino acid residue is found in multiple mammalian species, which suggests that this missense change does not adversely affect protein function. In summary, the available evidence is currently insufficient to determine the role of this variant in disease. Therefore, it has been classified as a Variant of Uncertain Significance.